The following is an entry in ClinVar:

NM_001388492.1(HTT):c.3233G>C (p.Trp1078Ser)

Gene: HTT (huntingtin; plus strand). Cytogenetic location: 4p16.3.
Variant type: single nucleotide variant.
Coding change: c.3233G>C on transcript NM_001388492.1 (MANE Select); coding-DNA position 3233, G replaced by C.
Protein change: p.Trp1078Ser; replaces tryptophan 1078 with serine.
Molecular consequence: missense variant.
Genome position (GRCh38, 1-based): chr4:3,146,886, G>C. VCF-style: chr4-3146886-G-C. GRCh37 (hg19) VCF-style: chr4-3148613-G-C.
Other names: c.3239G>C, p.Trp1080Ser (NM_002111.8); short protein forms W1078S, W1080S.
Identifiers: ClinVar variation 1412757 (VCV001412757.6), dbSNP rs372507485, ClinGen allele CA2824086.
Genomic context (GRCh38, chr4:3,146,886, plus strand): 5'-CTAGGAAGAGCTGTACCGTTGGGATGGCCACAATGATTCTGACCCTGCTCTCGTCAGCTT[G>C]GTTCCCATTGGATCTCTCAGCCCATCAAGATGCTTTGATTTTGGCCGGAAACTTGCTTGC-3'
Protein context (NP_001375421.1, residues 1068-1088): TMILTLLSSA[Trp1078Ser]FPLDLSAHQD

ClinVar aggregate classification (germline): Uncertain significance (1 of 4 stars; one submission).

Allele frequency attached by ClinVar (database versions not stated): ExAC 0.00001; gnomAD 0.00001; gnomAD exomes 0.00001; TOPMed 0.00001; ESP Exome Variant Server 0.00008.
gnomAD v4.1: 10 of 1,614,024 alleles (0.00062%); highest among the groups gnomAD compares: Non-Finnish European, 0.00085%; no homozygotes.

Submission:

Labcorp Genetics (formerly Invitae), Labcorp
Classification: Uncertain significance. Last evaluated: 2021-03-12. Review status: criteria provided, single submitter. Criteria: Invitae Variant Classification Sherloc (09022015). Collection method: clinical testing. Allele origin: germline.
Comment: In summary, the available evidence is currently insufficient to determine the role of this variant in disease. Therefore, it has been classified as a Variant of Uncertain Significance. Experimental studies and prediction algorithms are not available or were not evaluated, and the functional significance of this variant is currently unknown. This variant has not been reported in the literature in individuals with HTT-related conditions. This variant is present in population databases (rs372507485, ExAC 0.001%). This sequence change replaces tryptophan with serine at codon 1080 of the HTT protein (p.Trp1080Ser). The tryptophan residue is moderately conserved and there is a large physicochemical difference between tryptophan and serine.